The following is an entry in ClinVar:

ClinVar aggregate classification (germline): Uncertain significance (1 of 4 stars; one submission).

Conditions:
Hennekam lymphangiectasia-lymphedema syndrome 1 (HKLLS1). Also called: LYMPHATIC DYSPLASIA, GENERALIZED. Identifiers: Orphanet 2136, MedGen C4012050, MONDO:0009337, OMIM 235510.

Allele frequency attached by ClinVar (database versions not stated): gnomAD exomes 0.00001 and 0.00002; gnomAD 0.00001; TOPMed below 0.00001; ExAC 0.00002.
gnomAD v4.1: 19 of 1,612,312 alleles (0.0012%); highest among the groups gnomAD compares: Non-Finnish European, 0.0014%; no homozygotes.

Submission:

Labcorp Genetics (formerly Invitae), Labcorp
Classification: Uncertain significance. Last evaluated: 2021-07-26. Review status: criteria provided, single submitter. Criteria: Invitae Variant Classification Sherloc (09022015). Collection method: clinical testing. Allele origin: germline.
Comment: In summary, the available evidence is currently insufficient to determine the role of this variant in disease. Therefore, it has been classified as a Variant of Uncertain Significance. Algorithms developed to predict the effect of missense changes on protein structure and function (SIFT, PolyPhen-2, Align-GVGD) all suggest that this variant is likely to be tolerated. This variant has not been reported in the literature in individuals affected with CCBE1-related conditions. This variant is present in population databases (rs759940843, ExAC 0.003%). This sequence change replaces aspartic acid with tyrosine at codon 183 of the CCBE1 protein (p.Asp183Tyr). The aspartic acid residue is moderately conserved and there is a large physicochemical difference between aspartic acid and tyrosine.

NM_133459.4(CCBE1):c.547G>T (p.Asp183Tyr)

Gene: CCBE1 (collagen and calcium binding EGF domains 1; minus strand). Cytogenetic location: 18q21.32.
Variant type: single nucleotide variant.
Coding change: c.547G>T on transcript NM_133459.4 (MANE Select); coding-DNA position 547, G replaced by T.
Protein change: p.Asp183Tyr; replaces aspartic acid 183 with tyrosine.
Molecular consequence: missense variant.
Genome position (GRCh38, 1-based): chr18:59,466,745, C>A on the plus strand (G>T on the coding strand, the complement: CCBE1 is on the minus strand). VCF-style: chr18-59466745-C-A. GRCh37 (hg19) VCF-style: chr18-57133977-C-A.
Other names: c.547G>T (NM_133459.3); short protein forms D183Y.
Identifiers: ClinVar variation 1370099 (VCV001370099.7), dbSNP rs759940843, ClinGen allele CA8980464.